The following is an entry in ClinVar:

NM_173500.4(TTBK2):c.1360C>T (p.Arg454Cys)

Gene: TTBK2 (tau tubulin kinase 2; minus strand). Cytogenetic location: 15q15.2.
Variant type: single nucleotide variant.
Coding change: c.1360C>T on transcript NM_173500.4 (MANE Select); coding-DNA position 1360, C replaced by T.
Protein change: p.Arg454Cys; replaces arginine 454 with cysteine.
Molecular consequence: missense variant.
Genome position (GRCh38, 1-based): chr15:42,777,080, G>A on the plus strand (C>T on the coding strand, the complement: TTBK2 is on the minus strand). VCF-style: chr15-42777080-G-A. GRCh37 (hg19) VCF-style: chr15-43069278-G-A.
Other names: short protein forms R454C.
Identifiers: ClinVar variation 315994 (VCV000315994.8), dbSNP rs758352842, ClinGen allele CA7516907.

ClinVar aggregate classification (germline): Uncertain significance. Review status: criteria provided, multiple submitters, no conflicts (2 of 4 stars). 2 submissions from 2 submitters: Uncertain significance (2). Last evaluated 2024-05-14.

Conditions:
Spinocerebellar ataxia type 11 (SCA11). Identifiers: Orphanet 98767, MedGen C1858351, MONDO:0011464, OMIM 604432.

Allele frequency attached by ClinVar (database versions not stated): gnomAD exomes below 0.00001 and 0.00001; ExAC 0.00001; gnomAD 0.00001; TOPMed 0.00001.
gnomAD v4.1: 13 of 1,614,038 alleles (0.00081%); highest among the groups gnomAD compares: East Asian, 0.0067%; no homozygotes.

Submissions (2):

Athena Diagnostics
Classification: Uncertain significance. Last evaluated: 2024-05-14. Review status: criteria provided, single submitter. Criteria: Athena Diagnostics Criteria. Collection method: clinical testing. Allele origin: unknown.
Comment: Available data are insufficient to determine the clinical significance of the variant at this time. The frequency of this variant in the general population is uninformative in assessment of its pathogenicity. This variant has been seen where an alternate explanation for disease was also identified, suggesting this variant may not cause disease. Polyphen and MutationTaster yielded discordant predictions regarding whether this amino acid change is damaging to the protein.

Illumina Laboratory Services, Illumina
Classification: Uncertain significance for Spinocerebellar ataxia type 11. Last evaluated: 2018-01-12. Review status: criteria provided, single submitter. Criteria: ICSL Variant Classification Criteria 13 December 2019. Collection method: clinical testing. Allele origin: germline.